The following is an entry in ClinVar:

NM_014946.4(SPAST):c.1817G>A (p.Arg606His)

Gene: SPAST (spastin; plus strand). Cytogenetic location: 2p22.3.
Variant type: single nucleotide variant.
Coding change: c.1817G>A on transcript NM_014946.4 (MANE Select); coding-DNA position 1817, G replaced by A.
Protein change: p.Arg606His; replaces arginine 606 with histidine.
Molecular consequence: missense variant. On other transcripts: 3 prime UTR variant (1).
Genome position (GRCh38, 1-based): chr2:32,154,462, G>A. VCF-style: chr2-32154462-G-A. GRCh37 (hg19) VCF-style: chr2-32379531-G-A.
Other names: c.1814G>A, p.Arg605His (NM_001363823.2); c.1718G>A, p.Arg573His (NM_001363875.2); c.*90G>A (NM_001377959.1); c.1721G>A, p.Arg574His (NM_199436.2); short protein forms R573H, R574H, R605H, R606H.
Identifiers: ClinVar variation 1319956 (VCV001319956.10), dbSNP rs768077366, ClinGen allele CA1601031.

ClinVar aggregate classification (germline): Conflicting classifications of pathogenicity. Review status: criteria provided, conflicting classifications (1 of 4 stars). 4 submissions from 4 submitters: Likely pathogenic (1); Uncertain significance (2). 1 of the submissions does not count toward it. Last evaluated 2025-11-20.

Conditions:
Hereditary spastic paraplegia 4. Also called: Spastic Paraplegia 4; Spastic paraplegia 4, autosomal dominant; Familial spastic paraplegia autosomal dominant 2. Identifiers: Orphanet 100985, MedGen C1866855, MONDO:0008438, OMIM 182601.
Inborn genetic diseases. Identifiers: MedGen C0950123, MeSH D030342.

Allele frequency attached by ClinVar (database versions not stated): gnomAD 0.00001; gnomAD exomes 0.00001; ExAC 0.00002; TOPMed 0.00002.
gnomAD v4.1: 14 of 1,612,698 alleles (0.00087%); highest among the groups gnomAD compares: African/African-American, 0.0027%; no homozygotes.

Submissions (4):

Ambry Genetics
Classification: Uncertain significance for Inborn genetic diseases. Last evaluated: 2025-11-20. Review status: criteria provided, single submitter. Criteria: Ambry Variant Classification Scheme 2023. Collection method: clinical testing. Allele origin: germline.

Clinical Genomics Laboratory, Vanderbilt University Medical Center
Classification: Likely pathogenic for Hereditary spastic paraplegia 4. Last evaluated: 2021-09-21. Review status: criteria provided, single submitter. Criteria: ACMG Guidelines. Collection method: clinical testing. Allele origin: maternal. Inheritance: Autosomal dominant inheritance. Affected: yes. Observed: 1 heterozygote.
Comment: c.1817G>A (NM_014946.3) represents a missense variant in exon 17 of the SPAST gene resulting in the replacement of arginine with histidine at amino acid position 606 of the encoded protein (p.Arg606His). This variant occurs within the AAA ATPase cassette domain, a region shown to be critical for spastin-severing activity and a hotspot for disease-associated alterations (PMID: 17389232, 18202664, 30476002). Missense variation is an observed mechanism of disease for the SPAST gene (OMIM). A variety of in silico algorithms support a damaging effect of this variant on SPAST function (23 pathogenic predictions/1 benign prediction). Using current ACMG guidelines, the combined evidence supports a classification of likely pathogenic (ACMG Criteria: PM1, PM2, PP2, PP3).

Labcorp Genetics (formerly Invitae), Labcorp
Classification: Uncertain significance for Hereditary spastic paraplegia 4. Last evaluated: 2021-09-11. Review status: criteria provided, single submitter. Criteria: Invitae Variant Classification Sherloc (09022015). Collection method: clinical testing. Allele origin: germline.
Comment: This sequence change replaces arginine with histidine at codon 606 of the SPAST protein (p.Arg606His). The arginine residue is moderately conserved and there is a small physicochemical difference between arginine and histidine. This variant is present in population databases (rs768077366, ExAC 0.009%). This variant has not been reported in the literature in individuals affected with SPAST-related conditions. Advanced modeling of protein sequence and biophysical properties (such as structural, functional, and spatial information, amino acid conservation, physicochemical variation, residue mobility, and thermodynamic stability) performed at Invitae indicates that this missense variant is expected to disrupt SPAST protein function. In summary, the available evidence is currently insufficient to determine the role of this variant in disease. Therefore, it has been classified as a Variant of Uncertain Significance.

Diagnostics Centre, Carl Von Ossietzky University Oldenburg
Classification: Uncertain significance. Last evaluated: 2025-06-20. Review status: no assertion criteria provided. Collection method: clinical testing. Allele origin: germline. Affected: yes. Observed: 1 variant allele. Not counted in ClinVar's aggregate classification.
Comment: The variant SPAST:c.1817G>A p.(Arg606His), is located in coding exon 17 of the SPAST and results from a guanine-to-adenine substitution at nucleotide position c.1817. The arginine at protein position 606 is replaced by a histidine. The affected position is located in the Vps4 C-terminal oligomerization functional domain of the protein. In silico tools predict a significant deleterious effect in the protein structure/function (REVEL = 0,84). The variant has been classified once as Likely pathogenic and once as variant of uncertain significance in different entries in ClinVar (VCV001319956.9). The variant is classified as rare in the general population (MAF 8.7 * e-6 in gnomAD). In summary, the variant is classified as a variant of uncertain significance.